The following is an entry in ClinVar:

NM_001557.4(CXCR2):c.883G>A (p.Ala295Thr)

Gene: CXCR2 (C-X-C motif chemokine receptor 2; plus strand). Cytogenetic location: 2q35.
Variant type: single nucleotide variant.
Coding change: c.883G>A on transcript NM_001557.4 (MANE Select); coding-DNA position 883, G replaced by A.
Protein change: p.Ala295Thr; replaces alanine 295 with threonine.
Molecular consequence: missense variant.
Genome position (GRCh38, 1-based): chr2:218,135,684, G>A. VCF-style: chr2-218135684-G-A. GRCh37 (hg19) VCF-style: chr2-219000407-G-A.
Other names: c.883G>A, p.Ala295Thr (NM_001168298.2); c.883G>A (NM_001557.3); short protein forms A295T.
Identifiers: ClinVar variation 1426682 (VCV001426682.9), dbSNP rs771407118, ClinGen allele CA2101806.

ClinVar aggregate classification (germline): Uncertain significance. Review status: criteria provided, multiple submitters, no conflicts (2 of 4 stars). 2 submissions from 2 submitters: Uncertain significance (2). Last evaluated 2025-02-18.

Allele frequency attached by ClinVar (database versions not stated): ExAC 0.00001; gnomAD exomes 0.00001 and 0.00002; TOPMed 0.00001.

Submissions (2):

Ambry Genetics
Classification: Uncertain significance. Last evaluated: 2025-02-18. Review status: criteria provided, single submitter. Criteria: Ambry Variant Classification Scheme 2023. Collection method: clinical testing. Allele origin: germline.

Labcorp Genetics (formerly Invitae), Labcorp
Classification: Uncertain significance. Last evaluated: 2023-03-23. Review status: criteria provided, single submitter. Criteria: Invitae Variant Classification Sherloc (09022015). Collection method: clinical testing. Allele origin: germline.
Comment: This sequence change replaces alanine, which is neutral and non-polar, with threonine, which is neutral and polar, at codon 295 of the CXCR2 protein (p.Ala295Thr). This variant is present in population databases (rs771407118, gnomAD 0.006%). This variant has not been reported in the literature in individuals affected with CXCR2-related conditions. ClinVar contains an entry for this variant (Variation ID: 1426682). An algorithm developed to predict the effect of missense changes on protein structure and function (PolyPhen-2) suggests that this variant is likely to be disruptive. In summary, the available evidence is currently insufficient to determine the role of this variant in disease. Therefore, it has been classified as a Variant of Uncertain Significance.